The following is an entry in ClinVar:

ClinVar aggregate classification (germline): Conflicting classifications of pathogenicity. Review status: criteria provided, conflicting classifications (1 of 4 stars). 3 submissions from 3 submitters: Uncertain significance (2); Likely benign (1). Last evaluated 2025-01-02.

Conditions:
Cardiovascular phenotype. Identifiers: MedGen CN230736.
Long QT syndrome (LQTS). Identifiers: MedGen C0023976, MeSH D008133, MONDO:0002442. Disease mechanism: loss of function. Inheritance: Various modes of inheritance.
Long QT syndrome 12 (LQT12). Identifiers: Orphanet 101016, Orphanet 768, MedGen C2751830, MONDO:0013062, OMIM 612955.

gnomAD v4.1: 5 of 1,613,446 alleles (0.00031%); highest among the groups gnomAD compares: East Asian, 0.0045%; no homozygotes.

Submissions (3):

Labcorp Genetics (formerly Invitae), Labcorp
Classification: Uncertain significance for Long QT syndrome. Last evaluated: 2025-01-02. Review status: criteria provided, single submitter. Criteria: Invitae Variant Classification Sherloc (09022015). Collection method: clinical testing. Allele origin: germline.
Comment: This sequence change replaces alanine, which is neutral and non-polar, with valine, which is neutral and non-polar, at codon 257 of the SNTA1 protein (p.Ala257Val). The frequency data for this variant in the population databases is considered unreliable, as metrics indicate poor data quality at this position in the gnomAD database. This missense change has been observed in individual(s) with long QT syndrome (PMID: 31737537). ClinVar contains an entry for this variant (Variation ID: 617899). Invitae Evidence Modeling of protein sequence and biophysical properties (such as structural, functional, and spatial information, amino acid conservation, physicochemical variation, residue mobility, and thermodynamic stability) indicates that this missense variant is not expected to disrupt SNTA1 protein function with a negative predictive value of 80%. In summary, the available evidence is currently insufficient to determine the role of this variant in disease. Therefore, it has been classified as a Variant of Uncertain Significance.

Ambry Genetics
Classification: Uncertain significance for Cardiovascular phenotype. Last evaluated: 2024-10-21. Review status: criteria provided, single submitter. Criteria: Ambry Variant Classification Scheme 2023. Collection method: clinical testing. Allele origin: germline.
Comment: The p.A257V variant (also known as c.770C>T), located in coding exon 4 of the SNTA1 gene, results from a C to T substitution at nucleotide position 770. The alanine at codon 257 is replaced by valine, an amino acid with similar properties. This variant has been detected in an individual referred for genetic testing with a suspected diagnosis of long QT syndrome; however, details were limited (Marschall C et al. Cardiovasc Diagn Ther, 2019 Oct;9:S292-S298). This amino acid position is highly conserved in available vertebrate species. In addition, the in silico prediction for this alteration is inconclusive. Since supporting evidence is limited at this time, the clinical significance of this alteration remains unclear.

Equipe Genetique des Anomalies du Developpement, Université de Bourgogne
Classification: Likely benign for Long QT syndrome 12. Last evaluated: 2018-11-21. Review status: criteria provided, single submitter. Criteria: ACMG Guidelines, 2015. Collection method: clinical testing. Allele origin: unknown.

Literature cited by the submitters: PubMed 31737537 (cited by Labcorp Genetics (formerly Invitae), Labcorp and Ambry Genetics).

NM_003098.3(SNTA1):c.770C>T (p.Ala257Val)

Gene: SNTA1 (syntrophin alpha 1; minus strand). Cytogenetic location: 20q11.21.
Variant type: single nucleotide variant.
Coding change: c.770C>T on transcript NM_003098.3 (MANE Select); coding-DNA position 770, C replaced by T.
Protein change: p.Ala257Val; replaces alanine 257 with valine.
Molecular consequence: missense variant.
Genome position (GRCh38, 1-based): chr20:33,412,714, G>A on the plus strand (C>T on the coding strand, the complement: SNTA1 is on the minus strand). VCF-style: chr20-33412714-G-A. GRCh37 (hg19) VCF-style: chr20-32000520-G-A.
Other names: short protein forms A257V.
Identifiers: ClinVar variation 617899 (VCV000617899.6), dbSNP rs56157422, ClinGen allele CA9817150.
Genomic context (GRCh38, chr20:33,412,714, plus strand): 5'-TCCTTGACCCGCGGCGTCAGAGTATTGACCTGGGCTTGGATGGCAGTCGCCCACGACCTC[G>A]CACTAGCCTCATCCTTGGCCCTCAGGAAGAGGGTGTCTTGACCATCTGCCGAGCAGATCT-3'
Protein context (NP_003089.1, residues 247-267): LFLRAKDEAS[Ala257Val]RSWATAIQAQ